The following is an entry in ClinVar:

NM_001687.5(ATP5F1D):c.98C>G (p.Ser33Cys)

Genes: ATP5F1D (ATP synthase F1 subunit delta; plus strand), LOC130062903 (ATAC-STARR-seq lymphoblastoid silent region 9673; plus strand). Cytogenetic location: 19p13.3.
Variant type: single nucleotide variant.
Coding change: c.98C>G on transcript NM_001687.5 (MANE Select); coding-DNA position 98, C replaced by G.
Protein change: p.Ser33Cys; replaces serine 33 with cysteine.
Molecular consequence: missense variant.
Genome position (GRCh38, 1-based): chr19:1,241,948, C>G. VCF-style: chr19-1241948-C-G. GRCh37 (hg19) VCF-style: chr19-1241947-C-G.
Other names: c.98C>G, p.Ser33Cys (NM_001001975.2); short protein forms S33C.
Identifiers: ClinVar variation 3131686 (VCV003131686.2), dbSNP rs775385179, ClinGen allele CA304013760.

ClinVar aggregate classification (germline): Uncertain significance. Review status: criteria provided, multiple submitters, no conflicts (2 of 4 stars). 2 submissions from 2 submitters: Uncertain significance (2). Last evaluated 2025-06-09.

Conditions:
Inborn genetic diseases. Identifiers: MedGen C0950123, MeSH D030342.

Allele frequency attached by ClinVar (database versions not stated): gnomAD 0.00001.
gnomAD v4.1: 3 of 1,496,692 alleles (0.0002%); highest among the groups gnomAD compares: African/African-American, 0.0029%; no homozygotes.

Submissions (2):

Labcorp Genetics (formerly Invitae), Labcorp
Classification: Uncertain significance. Last evaluated: 2025-06-09. Review status: criteria provided, single submitter. Criteria: Invitae Variant Classification Sherloc (09022015). Collection method: clinical testing. Allele origin: germline.
Comment: This sequence change replaces serine, which is neutral and polar, with cysteine, which is neutral and slightly polar, at codon 33 of the ATP5D protein (p.Ser33Cys). This variant is not present in population databases (gnomAD no frequency). This variant has not been reported in the literature in individuals affected with ATP5D-related conditions. ClinVar contains an entry for this variant (Variation ID: 3131686). An algorithm developed to predict the effect of missense changes on protein structure and function (PolyPhen-2) suggests that this variant is likely to be disruptive. In summary, the available evidence is currently insufficient to determine the role of this variant in disease. Therefore, it has been classified as a Variant of Uncertain Significance.

Ambry Genetics
Classification: Uncertain significance for Inborn genetic diseases. Last evaluated: 2021-06-06. Review status: criteria provided, single submitter. Criteria: Ambry Variant Classification Scheme 2023. Collection method: clinical testing. Allele origin: germline.